The following is an entry in ClinVar:

ClinVar aggregate classification (germline): Uncertain significance. Review status: criteria provided, multiple submitters, no conflicts (2 of 4 stars). 3 submissions from 3 submitters: Uncertain significance (3). Last evaluated 2026-03-26.

Conditions:
Inborn genetic diseases. Identifiers: MedGen C0950123, MeSH D030342.

Allele frequency attached by ClinVar (database versions not stated): gnomAD exomes below 0.00001 and 0.00001; gnomAD 0.00003; TOPMed 0.00003; ESP Exome Variant Server 0.00008.
gnomAD v4.1: 9 of 1,613,580 alleles (0.00056%); highest among the groups gnomAD compares: Non-Finnish European, 0.00059%; no homozygotes.

Submissions (3):

Ambry Genetics
Classification: Uncertain significance for Inborn genetic diseases. Last evaluated: 2026-03-26. Review status: criteria provided, single submitter. Criteria: Ambry Variant Classification Scheme 2023. Collection method: clinical testing. Allele origin: germline.

Labcorp Genetics (formerly Invitae), Labcorp
Classification: Uncertain significance. Last evaluated: 2022-07-19. Review status: criteria provided, single submitter. Criteria: Invitae Variant Classification Sherloc (09022015). Collection method: clinical testing. Allele origin: germline.
Comment: This sequence change replaces tyrosine, which is neutral and polar, with histidine, which is basic and polar, at codon 3472 of the USH2A protein (p.Tyr3472His). This variant is present in population databases (rs375487139, gnomAD 0.002%). This variant has not been reported in the literature in individuals affected with USH2A-related conditions. ClinVar contains an entry for this variant (Variation ID: 1407383). Algorithms developed to predict the effect of missense changes on protein structure and function (SIFT, PolyPhen-2, Align-GVGD) all suggest that this variant is likely to be disruptive. In summary, the available evidence is currently insufficient to determine the role of this variant in disease. Therefore, it has been classified as a Variant of Uncertain Significance.

Blueprint Genetics
Classification: Uncertain significance. Last evaluated: 2021-09-12. Review status: criteria provided, single submitter. Criteria: ACMG Guidelines, 2015. Collection method: clinical testing. Allele origin: germline.

NM_206933.4(USH2A):c.10414T>C (p.Tyr3472His)

Gene: USH2A (usherin; minus strand). Cytogenetic location: 1q41.
Variant type: single nucleotide variant.
Coding change: c.10414T>C on transcript NM_206933.4 (MANE Select); coding-DNA position 10414, T replaced by C.
Protein change: p.Tyr3472His; replaces tyrosine 3472 with histidine.
Molecular consequence: missense variant.
Genome position (GRCh38, 1-based): chr1:215,782,909, A>G on the plus strand (T>C on the coding strand, the complement: USH2A is on the minus strand). VCF-style: chr1-215782909-A-G. GRCh37 (hg19) VCF-style: chr1-215956251-A-G.
Other names: c.10414T>C (NM_206933.2); short protein forms Y3472H.
Identifiers: ClinVar variation 1407383 (VCV001407383.6), dbSNP rs375487139, ClinGen allele CA37438018.